The following is an entry in ClinVar:

NM_000142.5(FGFR3):c.1413-16C>G

Gene: FGFR3 (fibroblast growth factor receptor 3; plus strand). Cytogenetic location: 4p16.3.
Variant type: single nucleotide variant.
Coding change: c.1413-16C>G on transcript NM_000142.5 (MANE Select); 16 bases into the intron before coding-DNA position 1413, C replaced by G.
Molecular consequence: intron variant.
Genome position (GRCh38, 1-based): chr4:1,805,339, C>G. VCF-style: chr4-1805339-C-G. GRCh37 (hg19) VCF-style: chr4-1807066-C-G.
Other names: c.1419-16C>G (NM_001163213.2); c.1416-16C>G (NM_001354809.2, NM_001354810.2); c.1077-16C>G (NM_022965.4).
Identifiers: ClinVar variation 678371 (VCV000678371.9), dbSNP rs201702411, ClinGen allele CA2810396.

ClinVar aggregate classification (germline): Benign. Review status: criteria provided, multiple submitters, no conflicts (2 of 4 stars). 2 submissions from 2 submitters: Benign (2). Last evaluated 2025-12-10.

Allele frequency attached by ClinVar (database versions not stated): gnomAD exomes 0.00009 and 0.00032; ExAC 0.00044; TOPMed 0.00093; gnomAD 0.00107 and 0.00114; ESP Exome Variant Server 0.00123; 1000 Genomes Project 0.00140; 1000 Genomes Project 30x 0.00141.
gnomAD v4.1: 290 of 1,610,476 alleles (0.018%); highest among the groups gnomAD compares: African/African-American, 0.35%; 2 homozygotes.

Submissions (2):

Labcorp Genetics (formerly Invitae), Labcorp
Classification: Benign. Last evaluated: 2025-12-10. Review status: criteria provided, single submitter. Criteria: Invitae Variant Classification Sherloc (09022015). Collection method: clinical testing. Allele origin: germline.

GeneDx
Classification: Benign. Last evaluated: 2018-04-23. Review status: criteria provided, single submitter. Criteria: GeneDx Variant Classification (06012015). Collection method: clinical testing. Allele origin: germline. Affected: yes.
Comment: This variant is considered likely benign or benign based on one or more of the following criteria: it is a conservative change, it occurs at a poorly conserved position in the protein, it is predicted to be benign by multiple in silico algorithms, and/or has population frequency not consistent with disease.